The following is an entry in ClinVar:

ClinVar aggregate classification (germline): Benign/Likely benign. Review status: criteria provided, multiple submitters, no conflicts (2 of 4 stars). 2 submissions from 2 submitters: Benign (1); Likely benign (1). Last evaluated 2023-09-19.

Allele frequency attached by ClinVar (database versions not stated): ESP Exome Variant Server 0.00023; TOPMed 0.00028.
gnomAD v4.1: 370 of 1,605,014 alleles (0.023%); highest among the groups gnomAD compares: Admixed American, 0.0067%; 2 homozygotes.

Submissions (2):

Labcorp Genetics (formerly Invitae), Labcorp
Classification: Benign. Last evaluated: 2023-09-19. Review status: criteria provided, single submitter. Criteria: Invitae Variant Classification Sherloc (09022015). Collection method: clinical testing. Allele origin: germline.

GeneDx
Classification: Likely benign. Last evaluated: 2018-04-11. Review status: criteria provided, single submitter. Criteria: GeneDx Variant Classification (06012015). Collection method: clinical testing. Allele origin: germline. Affected: yes.
Comment: This variant is considered likely benign or benign based on one or more of the following criteria: it is a conservative change, it occurs at a poorly conserved position in the protein, it is predicted to be benign by multiple in silico algorithms, and/or has population frequency not consistent with disease.

NM_021100.5(NFS1):c.1137-16G>C

Gene: NFS1 (NFS1 cysteine desulfurase; minus strand). Cytogenetic location: 20q11.22.
Variant type: single nucleotide variant.
Coding change: c.1137-16G>C on transcript NM_021100.5 (MANE Select); 16 bases into the intron before coding-DNA position 1137, G replaced by C.
Molecular consequence: intron variant.
Genome position (GRCh38, 1-based): chr20:35,673,700, C>G on the plus strand (G>C on the coding strand, the complement: NFS1 is on the minus strand). VCF-style: chr20-35673700-C-G. GRCh37 (hg19) VCF-style: chr20-34261622-C-G.
Other names: c.984-16G>C (NM_001198989.2).
Identifiers: ClinVar variation 681134 (VCV000681134.8), dbSNP rs200617986, ClinGen allele CA9837037.